The following is an entry in ClinVar:

NM_001355436.2(SPTB):c.5748C>T (p.Leu1916=)

Gene: SPTB (spectrin beta, erythrocytic; minus strand). Cytogenetic location: 14q23.3.
Variant type: single nucleotide variant.
Coding change: c.5748C>T on transcript NM_001355436.2 (MANE Select); coding-DNA position 5748, C replaced by T.
Protein change: p.Leu1916=; no amino-acid change (leucine 1916 retained).
Molecular consequence: synonymous variant.
Genome position (GRCh38, 1-based): chr14:64,770,935, G>A on the plus strand (C>T on the coding strand, the complement: SPTB is on the minus strand). VCF-style: chr14-64770935-G-A. GRCh37 (hg19) VCF-style: chr14-65237653-G-A.
Other names: p.Leu1916=; c.5748C>T, p.Leu1916= (NM_001024858.4, NM_001355437.2).
Identifiers: ClinVar variation 4683872 (VCV004683872.3).

ClinVar aggregate classification (germline): Likely benign. Review status: criteria provided, multiple submitters, no conflicts (2 of 4 stars). 3 submissions from 3 submitters: Likely benign (3). Last evaluated 2025-09-18.

gnomAD v4.1: 230 of 1,614,150 alleles (0.014%); highest among the groups gnomAD compares: Middle Eastern, 0.049%; no homozygotes.

Submissions (3):

Labcorp Genetics (formerly Invitae), Labcorp
Classification: Likely benign. Last evaluated: 2025-09-18. Review status: criteria provided, single submitter. Criteria: Invitae Variant Classification Sherloc (09022015). Collection method: clinical testing. Allele origin: germline.

Mayo Clinic Laboratories, Mayo Clinic
Classification: Likely benign. Last evaluated: 2024-11-26. Review status: criteria provided, single submitter. Criteria: ACMG Guidelines, 2015. Collection method: clinical testing. Allele origin: germline. Observed: 2 variant alleles.
Comment: BP4, BP7

Blueprint Genetics
Classification: Likely benign. Last evaluated: 2022-02-22. Review status: criteria provided, single submitter. Criteria: ACMG Guidelines, 2015. Collection method: clinical testing. Allele origin: germline.